The following is an entry in ClinVar:

NM_000548.5(TSC2):c.3815-16C>A

Gene: TSC2 (TSC complex subunit 2; plus strand). Cytogenetic location: 16p13.3.
Variant type: single nucleotide variant.
Coding change: c.3815-16C>A on transcript NM_000548.5 (MANE Select); 16 bases into the intron before coding-DNA position 3815, C replaced by A.
Molecular consequence: intron variant.
Genome position (GRCh38, 1-based): chr16:2,082,420, C>A. VCF-style: chr16-2082420-C-A. GRCh37 (hg19) VCF-style: chr16-2132421-C-A.
Other names: c.3814+622C>A (NM_001114382.3); c.3686-16C>A (NM_021055.3, NM_001370405.1); c.3685+622C>A (NM_001363528.2); c.3683-16C>A (NM_001370404.1); c.3682+622C>A (NM_001077183.3); c.3574+622C>A (NM_001318827.2); c.3083-16C>A (NM_001318831.2); c.3538+622C>A (NM_001318829.2); and 1 more.
Identifiers: ClinVar variation 2144850 (VCV002144850.4), dbSNP rs546810161, ClinGen allele CA620378664.

ClinVar aggregate classification (germline): Uncertain significance (1 of 4 stars; one submission).

Conditions:
Tuberous sclerosis 2 (TSC2). Identifiers: Orphanet 805, MedGen C1860707, MONDO:0013199, OMIM 613254.

gnomAD v4.1: 1 of 1,612,426 alleles (0.000062%); highest among the groups gnomAD compares: Admixed American, 0.0017%; no homozygotes.

Submission:

Labcorp Genetics (formerly Invitae), Labcorp
Classification: Uncertain significance for Tuberous sclerosis 2. Last evaluated: 2022-09-05. Review status: criteria provided, single submitter. Criteria: Invitae Variant Classification Sherloc (09022015). Collection method: clinical testing. Allele origin: germline.
Comment: In summary, the available evidence is currently insufficient to determine the role of this variant in disease. Therefore, it has been classified as a Variant of Uncertain Significance. Algorithms developed to predict the effect of sequence changes on RNA splicing suggest that this variant may disrupt the consensus splice site. This variant has not been reported in the literature in individuals affected with TSC2-related conditions. This variant is present in population databases (no rsID available, gnomAD 0.003%). This sequence change falls in intron 31 of the TSC2 gene. It does not directly change the encoded amino acid sequence of the TSC2 protein.